The following is an entry in ClinVar:

ClinVar aggregate classification (germline): Uncertain significance. Review status: criteria provided, multiple submitters, no conflicts (2 of 4 stars). 3 submissions from 3 submitters: Uncertain significance (3). Last evaluated 2025-09-29.

Conditions:
Autosomal recessive limb-girdle muscular dystrophy type 2W (MDRCMTT). Also called: Muscular dystrophy, limb-girdle, type 2W; Muscular dystrophy, autosomal recessive, with cardiomyopathy and triangular tongue. Identifiers: MedGen C4225192, MONDO:0014788, OMIM 616827.

Allele frequency attached by ClinVar (database versions not stated): ExAC 0.00002; gnomAD exomes 0.00002 and 0.00003; gnomAD 0.00003 and 0.00005; TOPMed 0.00005; ESP Exome Variant Server 0.00008.

Submissions (3):

Labcorp Genetics (formerly Invitae), Labcorp
Classification: Uncertain significance for Autosomal recessive limb-girdle muscular dystrophy type 2W. Last evaluated: 2025-09-29. Review status: criteria provided, single submitter. Criteria: Invitae Variant Classification Sherloc (09022015). Collection method: clinical testing. Allele origin: germline.
Comment: This sequence change replaces glutamic acid, which is acidic and polar, with lysine, which is basic and polar, at codon 74 of the LIMS2 protein (p.Glu74Lys). This variant is present in population databases (rs374235568, gnomAD 0.006%). This variant has not been reported in the literature in individuals affected with LIMS2-related conditions. ClinVar contains an entry for this variant (Variation ID: 854198). An algorithm developed to predict the effect of missense changes on protein structure and function (PolyPhen-2) suggests that this variant is likely to be tolerated. In summary, the available evidence is currently insufficient to determine the role of this variant in disease. Therefore, it has been classified as a Variant of Uncertain Significance.

Revvity Omics, Revvity
Classification: Uncertain significance for Autosomal recessive limb-girdle muscular dystrophy type 2W. Last evaluated: 2023-08-16. Review status: criteria provided, single submitter. Criteria: ACMG Guidelines, 2015. Collection method: clinical testing. Allele origin: germline.

Ambry Genetics
Classification: Uncertain significance. Last evaluated: 2022-12-21. Review status: criteria provided, single submitter. Criteria: Ambry Variant Classification Scheme 2023. Collection method: clinical testing. Allele origin: germline.

NM_001161403.3(LIMS2):c.154G>A (p.Glu52Lys)

Gene: LIMS2 (LIM zinc finger domain containing 2; minus strand). Cytogenetic location: 2q14.3.
Variant type: single nucleotide variant.
Coding change: c.154G>A on transcript NM_001161403.3 (MANE Select); coding-DNA position 154, G replaced by A.
Protein change: p.Glu52Lys; replaces glutamic acid 52 with lysine.
Molecular consequence: missense variant.
Genome position (GRCh38, 1-based): chr2:127,657,420, C>T on the plus strand (G>A on the coding strand, the complement: LIMS2 is on the minus strand). VCF-style: chr2-127657420-C-T. GRCh37 (hg19) VCF-style: chr2-128414994-C-T.
Other names: c.220G>A, p.Glu74Lys (NM_001136037.4); c.139G>A, p.Glu47Lys (NM_001161404.2); c.226G>A, p.Glu76Lys (NM_017980.5); c.226G>A (NM_017980.4); c.220G>A (NM_001136037.3); short protein forms E47K, E52K, E74K, E76K.
Identifiers: ClinVar variation 854198 (VCV000854198.11), dbSNP rs374235568, ClinGen allele CA1863555.